The following is an entry in ClinVar:

NM_014727.3(KMT2B):c.4199G>A (p.Arg1400His)

Gene: KMT2B (lysine methyltransferase 2B; plus strand). Cytogenetic location: 19q13.12.
Variant type: single nucleotide variant.
Coding change: c.4199G>A on transcript NM_014727.3 (MANE Select); coding-DNA position 4199, G replaced by A.
Protein change: p.Arg1400His; replaces arginine 1400 with histidine.
Molecular consequence: missense variant.
Genome position (GRCh38, 1-based): chr19:35,727,519, G>A. VCF-style: chr19-35727519-G-A. GRCh37 (hg19) VCF-style: chr19-36218420-G-A.
Other names: short protein forms R1400H.
Identifiers: ClinVar variation 1049160 (VCV001049160.28), dbSNP rs371324331, ClinGen allele CA9385008.

ClinVar aggregate classification (germline): Conflicting classifications of pathogenicity. Review status: criteria provided, conflicting classifications (1 of 4 stars). 3 submissions from 3 submitters: Uncertain significance (1); Benign (1). 1 of the submissions does not count toward it. Last evaluated 2023-11-14.

Allele frequency attached by ClinVar (database versions not stated): gnomAD 0.00001; ExAC 0.00002; TOPMed 0.00002; ESP Exome Variant Server 0.00008.
gnomAD v4.1: 72 of 1,610,226 alleles (0.0045%); highest among the groups gnomAD compares: Non-Finnish European, 0.0059%; no homozygotes.

Submissions (3):

Labcorp Genetics (formerly Invitae), Labcorp
Classification: Benign. Last evaluated: 2023-11-14. Review status: criteria provided, single submitter. Criteria: Invitae Variant Classification Sherloc (09022015). Collection method: clinical testing. Allele origin: germline.

CeGaT Center for Human Genetics Tuebingen
Classification: Uncertain significance. Last evaluated: 2023-01-01. Review status: criteria provided, single submitter. Criteria: CeGaT Center For Human Genetics Tuebingen Variant Classification Criteria Version 2. Collection method: clinical testing. Allele origin: germline. Affected: yes. Observed: 1 variant allele.

Department of Pathology and Laboratory Medicine, Sinai Health System
Classification: Uncertain significance. Review status: no assertion criteria provided. Collection method: clinical testing. Allele origin: unknown. Affected: yes. Study: The Canadian Open Genetics Repository (COGR). Not counted in ClinVar's aggregate classification.
Comment: The KMT2B p.Arg1400His variant was not identified in the literature nor was it identified in ClinVar, Cosmic or LOVD 3.0. The variant was identified in dbSNP (ID: rs371324331) and was identified in control databases in 2 of 239032 chromosomes at a frequency of 0.000008 (Genome Aggregation Database Feb 27, 2017). The variant was observed in the following populations: African in 1 of 15024 chromosomes (freq: 0.000067) and European (non-Finnish) in 1 of 106468 chromosomes (freq: 0.000009), while the variant was not observed in the Latino, Ashkenazi Jewish, East Asian, European (Finnish), Other and South Asian populations. The variant occurs outside of the splicing consensus sequence and in silico or computational prediction software programs (SpliceSiteFinder, MaxEntScan, NNSPLICE, GeneSplicer) do not predict a difference in splicing. The p.Arg1400 residue is conserved in mammals and computational analyses (PolyPhen-2, SIFT, AlignGVGD, BLOSUM, MutationTaster) provide inconsistent predictions regarding the impact to the protein; this information is not very predictive of pathogenicity. In summary, based on the above information the clinical significance of this variant cannot be determined with certainty at this time. This variant is classified as a variant of uncertain significance.